The following is an entry in ClinVar:

NM_000489.6(ATRX):c.5216G>A (p.Arg1739Gln)

Gene: ATRX (ATRX chromatin remodeler; minus strand). Cytogenetic location: Xq21.1.
Variant type: single nucleotide variant.
Coding change: c.5216G>A on transcript NM_000489.6 (MANE Select); coding-DNA position 5216, G replaced by A.
Protein change: p.Arg1739Gln; replaces arginine 1739 with glutamine.
Molecular consequence: missense variant.
Genome position (GRCh38, 1-based): chrX:77,620,451, C>T on the plus strand (G>A on the coding strand, the complement: ATRX is on the minus strand). VCF-style: chrX-77620451-C-T. GRCh37 (hg19) VCF-style: chrX-76875919-C-T.
Other names: c.5102G>A, p.Arg1701Gln (NM_138270.5); short protein forms R1701Q, R1739Q.
Identifiers: ClinVar variation 4063611 (VCV004063611.2).
Genomic context (GRCh38, chrX:77,620,451, plus strand): 5'-TCACACTCAATTAGGTTATTTTGAAGTGGTGTTCCTGTTAAAATAATCCTCCTCCTTGAT[C>T]GTATAGAATTCATAGCTTTAGAAACAGCAGATGCTTCATTTTTTAGAATATGGCCTTCAT-3'
Protein context (NP_000480.3, residues 1729-1749): SAVSKAMNSI[Arg1739Gln]SRRRIILTGT

ClinVar aggregate classification (germline): Uncertain significance (0 of 4 stars; one submission).
ClinVar aggregate classification (somatic clinical impact): Tier I - Strong (1 of 4 stars; one submission).

Conditions:
Alpha thalassemia-X-linked intellectual disability syndrome (ATRX). Also called: ALPHA-THALASSEMIA/MENTAL RETARDATION SYNDROME, X-LINKED; ATR, NONDELETION TYPE; ATR-X syndrome; Alpha thalassemia mental retardation syndrome, nondeletion type, X-linked; XLMR hypotonic face syndrome; X-linked alpha-thalassemia-mental retardation syndrome. Identifiers: Orphanet 847, MedGen C1845055, MONDO:0010519, OMIM 301040.
Osteosarcoma. Also called: Osteosarcoma (disease). Identifiers: MedGen C0029463, MeSH D012516, MONDO:0009807, HP:0002669.

Submissions (2):

Institute for Genomic Medicine (IGM) Clinical Laboratory, Nationwide Children's Hospital
Classification: Tier I - Strong for Osteosarcoma. Assertion type: diagnostic. Clinical significance: supports diagnosis. Last evaluated: 2023-05-02. Review status: criteria provided, single submitter. Criteria: AMP/ASCO/CAP Guidelines, 2017. Collection method: clinical testing. Allele origin: somatic. Affected: yes.
Comment: Variant has Tier I (strong) clinical significance as a diagnostic inclusion criterion in osteosarcoma, based on the following evidence: 1) Documented in one or more cancer databases (e.g., St. Jude Pecan, COSMIC, CIViC, OncoKB). 2) Appears in one or more well-established professional guidelines (e.g., World Health Organization [WHO]; National Comprehensive Cancer Network [NCCN]) as providing diagnostic, prognostic, or therapeutic information. 3) Diagnostic for a specific tumor type/classification based on well-powered studies with expert-level consensus (Evidence Level B; PMIDs: 24703847, 25512523, 28643781, 26632267).

Natera, Inc.
Classification: Uncertain significance for X-linked alpha-thalassemia-mental retardation syndrome. Last evaluated: 2025-03-24. Review status: no assertion criteria provided. Collection method: clinical testing. Allele origin: germline.

Literature cited by the submitters: PubMed 24703847 (cited by Institute for Genomic Medicine (IGM) Clinical Laboratory, Nationwide Children's Hospital); PubMed 25512523 (cited by Institute for Genomic Medicine (IGM) Clinical Laboratory, Nationwide Children's Hospital); PubMed 28643781 (cited by Institute for Genomic Medicine (IGM) Clinical Laboratory, Nationwide Children's Hospital); PubMed 26632267 (cited by Institute for Genomic Medicine (IGM) Clinical Laboratory, Nationwide Children's Hospital).